The following is an entry in ClinVar:

ClinVar aggregate classification (germline): Uncertain significance (1 of 4 stars; one submission).

Conditions:
Polycystic kidney disease, adult type (PKD1). Also called: POLYCYSTIC KIDNEY DISEASE, ADULT, TYPE I; Polycystic Kidney, Autosomal Dominant; Polycystic Kidney Disease 1, Autosomal Dominant; Polycystic kidney disease 1; Polycystic kidney disease 1, severe; POLYCYSTIC KIDNEY DISEASE 1 WITH OR WITHOUT POLYCYSTIC LIVER DISEASE. Identifiers: MedGen C3149841, MONDO:0008263, OMIM 173900.

Submission:

Juno Genomics, Hangzhou Juno Genomics, Inc
Classification: Uncertain significance for Polycystic kidney disease, adult type. Review status: criteria provided, single submitter. Criteria: ACMG Guidelines, 2015. Collection method: clinical testing. Allele origin: germline.
Comment: Absent from controls (or at extremely low frequency if recessive) in Genome Aggregation Database.;Multiple lines of computational evidence support a deleterious effect on the gene or gene product.

NM_001009944.3(PKD1):c.11712G>A (p.Ser3904=)

Gene: PKD1 (polycystin 1, transient receptor potential channel interacting; minus strand). Cytogenetic location: 16p13.3.
Variant type: single nucleotide variant.
Coding change: c.11712G>A on transcript NM_001009944.3 (MANE Select); coding-DNA position 11712, G replaced by A.
Protein change: p.Ser3904=; no amino-acid change (serine 3904 retained).
Molecular consequence: synonymous variant.
Genome position (GRCh38, 1-based): chr16:2,091,423, C>T on the plus strand (G>A on the coding strand, the complement: PKD1 is on the minus strand). VCF-style: chr16-2091423-C-T. GRCh37 (hg19) VCF-style: chr16-2141424-C-T.
Other names: c.11709G>A, p.Ser3903= (NM_000296.4).
Identifiers: ClinVar variation 5005520 (VCV005005520.2).
Genomic context (GRCh38, chr16:2,091,423, plus strand): 5'-CCGCGAGGGGGCGGGACGCTGCCGGTGGGAGGCGCGGGGTCTGGCCGGGGACGGGCGTAC[C>T]GAGGTGAGCAGAGGCAGCGAGAGGCCCGCGCTGAGGCGGCGCAGCGCAAAGGGGCGGACG-3'
Protein context (NP_001009944.3, residues 3894-3914): SAGLSLPLLT[Ser3904=]VCLLLFAVHF